The following is an entry in ClinVar:

ClinVar aggregate classification (germline): Likely benign. Review status: criteria provided, multiple submitters, no conflicts (2 of 4 stars). 3 submissions from 3 submitters: Likely benign (3). Last evaluated 2026-02-03.

Conditions:
Cardiovascular phenotype. Identifiers: MedGen CN230736.
Dilated cardiomyopathy 1G (CMD1G). Identifiers: Orphanet 154, MedGen C1858763, MONDO:0011400, OMIM 604145.
Autosomal recessive limb-girdle muscular dystrophy type 2J (LGMDR10). Also called: MUSCULAR DYSTROPHY, LIMB-GIRDLE, AUTOSOMAL RECESSIVE 10; Limb-girdle muscular dystrophy, type 2J. Identifiers: Orphanet 140922, MedGen C1837342, MONDO:0012127, OMIM 608807.

Allele frequency attached by ClinVar (database versions not stated): gnomAD exomes below 0.00001; TOPMed below 0.00001; gnomAD 0.00001.
gnomAD v4.1: 5 of 1,613,176 alleles (0.00031%); highest among the groups gnomAD compares: Non-Finnish European, 0.00042%; no homozygotes.

Submissions (3):

Ambry Genetics
Classification: Likely benign for Cardiovascular phenotype. Last evaluated: 2026-02-03. Review status: criteria provided, single submitter. Criteria: Ambry Variant Classification Scheme 2023. Collection method: clinical testing. Allele origin: germline.

Labcorp Genetics (formerly Invitae), Labcorp
Classification: Likely benign for Dilated cardiomyopathy 1G; Autosomal recessive limb-girdle muscular dystrophy type 2J. Last evaluated: 2025-09-28. Review status: criteria provided, single submitter. Criteria: Invitae Variant Classification Sherloc (09022015). Collection method: clinical testing. Allele origin: germline.

GeneDx
Classification: Likely benign. Last evaluated: 2017-12-20. Review status: criteria provided, single submitter. Criteria: GeneDx Variant Classification (06012015). Collection method: clinical testing. Allele origin: germline. Affected: yes.
Comment: This variant is considered likely benign or benign based on one or more of the following criteria: it is a conservative change, it occurs at a poorly conserved position in the protein, it is predicted to be benign by multiple in silico algorithms, and/or has population frequency not consistent with disease.

NM_001267550.2(TTN):c.79443C>T (p.Ala26481=)

Genes: TTN (titin; minus strand), TTN-AS1 (TTN antisense RNA 1; plus strand). Cytogenetic location: 2q31.2.
Variant type: single nucleotide variant.
Coding change: c.79443C>T on transcript NM_001267550.2 (MANE Select); coding-DNA position 79443, C replaced by T.
Protein change: p.Ala26481=; no amino-acid change (alanine 26481 retained).
Molecular consequence: synonymous variant.
Genome position (GRCh38, 1-based): chr2:178,566,689, G>A on the plus strand (C>T on the coding strand, the complement: TTN is on the minus strand). VCF-style: chr2-178566689-G-A. GRCh37 (hg19) VCF-style: chr2-179431416-G-A.
Other names: c.74520C>T, p.Ala24840= (NM_001256850.1); c.52248C>T, p.Ala17416= (NM_003319.4); c.71739C>T, p.Ala23913= (NM_133378.4); c.52623C>T, p.Ala17541= (NM_133432.3); c.52824C>T, p.Ala17608= (NM_133437.4).
Identifiers: ClinVar variation 514329 (VCV000514329.3), dbSNP rs1280023882, ClinGen allele CA430252447.